The following is an entry in ClinVar:

ClinVar aggregate classification (germline): Uncertain significance (1 of 4 stars; one submission).

Allele frequency attached by ClinVar (database versions not stated): gnomAD exomes 0.00002; ExAC 0.00009.
gnomAD v4.1: 17 of 1,190,251 alleles (0.0014%); highest among the groups gnomAD compares: South Asian, 0.0074%; no homozygotes.

Submission:

GeneDx
Classification: Uncertain significance. Last evaluated: 2023-02-07. Review status: criteria provided, single submitter. Criteria: GeneDx Variant Classification Process June 2021. Collection method: clinical testing. Allele origin: germline. Affected: yes.
Comment: In silico analysis supports that this missense variant does not alter protein structure/function; Has not been previously published as pathogenic or benign to our knowledge

NM_015107.3(PHF8):c.2945G>A (p.Arg982Gln)

Gene: PHF8 (PHD finger protein 8; minus strand). Cytogenetic location: Xp11.22.
Variant type: single nucleotide variant.
Coding change: c.2945G>A on transcript NM_015107.3 (MANE Select); coding-DNA position 2945, G replaced by A.
Protein change: p.Arg982Gln; replaces arginine 982 with glutamine.
Molecular consequence: missense variant.
Genome position (GRCh38, 1-based): chrX:53,940,221, C>T on the plus strand (G>A on the coding strand, the complement: PHF8 is on the minus strand). VCF-style: chrX-53940221-C-T. GRCh37 (hg19) VCF-style: chrX-53966654-C-T.
Other names: c.3053G>A, p.Arg1018Gln (NM_001184896.1); c.2642G>A, p.Arg881Gln (NM_001184897.2); short protein forms R1018Q, R881Q, R982Q.
Identifiers: ClinVar variation 2577656 (VCV002577656.1), dbSNP rs781873999, ClinGen allele CA10423219.